The following is an entry in ClinVar:

ClinVar aggregate classification (germline): Uncertain significance. Review status: criteria provided, multiple submitters, no conflicts (2 of 4 stars). 6 submissions from 5 submitters: Uncertain significance (6). Last evaluated 2024-04-14.

Conditions:
Inborn genetic diseases. Identifiers: MedGen C0950123, MeSH D030342.
Cardioencephalomyopathy, fatal infantile, due to cytochrome c oxidase deficiency 1 (MC4DN2). Also called: CYTOCHROME c OXIDASE DEFICIENCY, FATAL INFANTILE, WITH CARDIOENCEPHALOMYOPATHY; MITOCHONDRIAL COMPLEX IV DEFICIENCY, NUCLEAR TYPE 2. Identifiers: Orphanet 1561, MedGen C5399977, MONDO:0011451, OMIM 604377.
Mitochondrial complex IV deficiency, nuclear type 1 (MC4DN1). Also called: Complex 4 mitochondrial respiratory chain deficiency; Deficiency of mitochondrial respiratory chain complex4; Complex IV deficiency; COX DEFICIENCY; Mitochondrial complex IV deficiency. Identifiers: MedGen C5435656, MONDO:0700250, OMIM 220110. Disease mechanism: loss of function.

Allele frequency attached by ClinVar (database versions not stated): gnomAD 0.00001; TOPMed 0.00002; ExAC 0.00005; gnomAD exomes 0.00005.
gnomAD v4.1: 78 of 1,613,816 alleles (0.0048%); highest among the groups gnomAD compares: Middle Eastern, 0.016%; no homozygotes.

Submissions (6):

GeneDx
Classification: Uncertain significance. Last evaluated: 2024-04-14. Review status: criteria provided, single submitter. Criteria: GeneDx Variant Classification Process June 2021. Collection method: clinical testing. Allele origin: germline. Affected: yes.
Comment: Has not been previously published as pathogenic or benign to our knowledge; In silico analysis supports that this missense variant has a deleterious effect on protein structure/function; This variant is associated with the following publications: (PMID: 31589614)

Ambry Genetics
Classification: Uncertain significance for Inborn genetic diseases. Last evaluated: 2022-07-28. Review status: criteria provided, single submitter. Criteria: Ambry Variant Classification Scheme 2023. Collection method: clinical testing. Allele origin: germline.

Labcorp Genetics (formerly Invitae), Labcorp
Classification: Uncertain significance. Last evaluated: 2022-03-05. Review status: criteria provided, single submitter. Criteria: Invitae Variant Classification Sherloc (09022015). Collection method: clinical testing. Allele origin: germline.
Comment: This sequence change replaces arginine, which is basic and polar, with cysteine, which is neutral and slightly polar, at codon 179 of the SCO2 protein (p.Arg179Cys). This variant is present in population databases (rs780314255, gnomAD 0.02%). This variant has not been reported in the literature in individuals affected with SCO2-related conditions. ClinVar contains an entry for this variant (Variation ID: 215130). Algorithms developed to predict the effect of missense changes on protein structure and function are either unavailable or do not agree on the potential impact of this missense change (SIFT: "Deleterious"; PolyPhen-2: "Probably Damaging"; Align-GVGD: "Class C0"). In summary, the available evidence is currently insufficient to determine the role of this variant in disease. Therefore, it has been classified as a Variant of Uncertain Significance.

Baylor Genetics
Classification: Uncertain significance for Cardioencephalomyopathy, fatal infantile, due to cytochrome c oxidase deficiency 1. Last evaluated: 2019-06-24. Review status: criteria provided, single submitter. Criteria: ACMG Guidelines, 2015. Collection method: clinical testing. Allele origin: unknown. Affected: yes.
Comment: This variant was determined to be of uncertain significance according to ACMG Guidelines, 2015 [PMID:25741868].

Illumina Laboratory Services, Illumina
Classification: Uncertain significance for Cardioencephalomyopathy, fatal infantile, due to cytochrome c oxidase deficiency 1. Last evaluated: 2018-01-13. Review status: criteria provided, single submitter. Criteria: ICSL Variant Classification Criteria 13 December 2019. Collection method: clinical testing. Allele origin: germline.

Illumina Laboratory Services, Illumina
Classification: Uncertain significance for Mitochondrial complex IV deficiency, nuclear type 1. Last evaluated: 2018-01-13. Review status: criteria provided, single submitter. Criteria: ICSL Variant Classification Criteria 13 December 2019. Collection method: clinical testing. Allele origin: germline.

NM_005138.3(SCO2):c.535C>T (p.Arg179Cys)

Genes: NCAPH2 (non-SMC condensin II complex subunit H2; plus strand), SCO2 (synthesis of cytochrome C oxidase 2; minus strand). Cytogenetic location: 22q13.33.
Variant type: single nucleotide variant.
Coding change: c.535C>T on transcript NM_005138.3 (MANE Select); coding-DNA position 535, C replaced by T.
Protein change: p.Arg179Cys; replaces arginine 179 with cysteine.
Molecular consequence: missense variant. On other transcripts: 3 prime UTR variant (2).
Genome position (GRCh38, 1-based): chr22:50,523,877, G>A on the plus strand (C>T on the coding strand, the complement: SCO2 is on the minus strand). VCF-style: chr22-50523877-G-A. GRCh37 (hg19) VCF-style: chr22-50962306-G-A.
Other names: c.*502G>A (NM_001185011.2, NM_152299.4); c.535C>T, p.Arg179Cys (NM_001169109.2, NM_001169110.1, NM_001169111.2); short protein forms R179C.
Identifiers: ClinVar variation 215130 (VCV000215130.15), dbSNP rs780314255, ClinGen allele CA322391.